The following is an entry in ClinVar:

NM_032119.4(ADGRV1):c.298G>C (p.Val100Leu)

Gene: ADGRV1 (adhesion G protein-coupled receptor V1; plus strand). Cytogenetic location: 5q14.3.
Variant type: single nucleotide variant.
Coding change: c.298G>C on transcript NM_032119.4 (MANE Select); coding-DNA position 298, G replaced by C.
Protein change: p.Val100Leu; replaces valine 100 with leucine.
Molecular consequence: missense variant. On other transcripts: non-coding transcript variant (1).
Genome position (GRCh38, 1-based): chr5:90,617,894, G>C. VCF-style: chr5-90617894-G-C. GRCh37 (hg19) VCF-style: chr5-89913711-G-C.
Other names: short protein forms V100L.
Identifiers: ClinVar variation 1419322 (VCV001419322.8), dbSNP rs41308299, ClinGen allele CA360385634.

ClinVar aggregate classification (germline): Uncertain significance (1 of 4 stars; one submission).

gnomAD v4.1: 7 of 1,596,284 alleles (0.00044%); highest among the groups gnomAD compares: Non-Finnish European, 0.0006%; no homozygotes.

Submission:

Labcorp Genetics (formerly Invitae), Labcorp
Classification: Uncertain significance. Last evaluated: 2020-12-18. Review status: criteria provided, single submitter. Criteria: Invitae Variant Classification Sherloc (09022015). Collection method: clinical testing. Allele origin: germline.
Comment: In summary, the available evidence is currently insufficient to determine the role of this variant in disease. Therefore, it has been classified as a Variant of Uncertain Significance. Algorithms developed to predict the effect of missense changes on protein structure and function are either unavailable or do not agree on the potential impact of this missense change (SIFT: "Deleterious"; PolyPhen-2: "Benign"; Align-GVGD: "Class C0"). This variant has not been reported in the literature in individuals with ADGRV1-related conditions. This variant is not present in population databases (ExAC no frequency). This sequence change replaces valine with leucine at codon 100 of the ADGRV1 protein (p.Val100Leu). The valine residue is highly conserved and there is a small physicochemical difference between valine and leucine.